The following is an entry in ClinVar:

ClinVar aggregate classification (germline): Benign/Likely benign. Review status: criteria provided, multiple submitters, no conflicts (2 of 4 stars). 5 submissions from 5 submitters: Benign (1); Likely benign (4). Last evaluated 2025-11-09.

Conditions:
Hereditary cancer-predisposing syndrome. Also called: Neoplastic Syndromes, Hereditary; Tumor predisposition; Hereditary Cancer Syndrome; Hereditary neoplastic syndrome. Identifiers: Orphanet 140162, MedGen C0027672, MeSH D009386, MONDO:0015356.
Oligodontia-cancer predisposition syndrome. Also called: TOOTH AGENESIS-COLORECTAL CANCER SYNDROME. Identifiers: Orphanet 300576, MedGen C1837750, MONDO:0012075, OMIM 608615. Disease mechanism: loss of function.

Allele frequency attached by ClinVar (database versions not stated): TOPMed below 0.00001; gnomAD exomes 0.00001 and 0.00003; ExAC 0.00003.
gnomAD v4.1: 12 of 1,584,422 alleles (0.00076%); highest among the groups gnomAD compares: Middle Eastern, 0.017%; no homozygotes.

Submissions (5):

Labcorp Genetics (formerly Invitae), Labcorp
Classification: Likely benign for Oligodontia-cancer predisposition syndrome. Last evaluated: 2025-11-09. Review status: criteria provided, single submitter. Criteria: Invitae Variant Classification Sherloc (09022015). Collection method: clinical testing. Allele origin: germline.

Quest Diagnostics Nichols Institute San Juan Capistrano
Classification: Likely benign. Last evaluated: 2025-09-08. Review status: criteria provided, single submitter. Criteria: Quest Diagnostics criteria. Collection method: clinical testing. Allele origin: unknown.

Women's Health and Genetics/Laboratory Corporation of America, LabCorp
Classification: Likely benign. Last evaluated: 2025-02-06. Review status: criteria provided, single submitter. Criteria: LabCorp Variant Classification Summary - May 2015. Collection method: clinical testing. Allele origin: germline.

Myriad Genetics, Inc.
Classification: Benign for Oligodontia-cancer predisposition syndrome. Last evaluated: 2024-07-02. Review status: criteria provided, single submitter. Criteria: Myriad Autosomal Dominant, Autosomal Recessive and X-Linked Classification Criteria (2023). Collection method: clinical testing. Allele origin: unknown.
Comment: This variant is considered benign. This variant is a silent/synonymous amino acid change and it is not expected to impact splicing.

Ambry Genetics
Classification: Likely benign for Hereditary cancer-predisposing syndrome. Last evaluated: 2021-08-15. Review status: criteria provided, single submitter. Criteria: Ambry Variant Classification Scheme 2023. Collection method: clinical testing. Allele origin: germline.

NM_004655.4(AXIN2):c.1273C>T (p.Leu425=)

Gene: AXIN2 (axin 2; minus strand). Cytogenetic location: 17q24.1.
Variant type: single nucleotide variant.
Coding change: c.1273C>T on transcript NM_004655.4 (MANE Select); coding-DNA position 1273, C replaced by T.
Protein change: p.Leu425=; no amino-acid change (leucine 425 retained).
Molecular consequence: synonymous variant.
Genome position (GRCh38, 1-based): chr17:65,537,763, G>A on the plus strand (C>T on the coding strand, the complement: AXIN2 is on the minus strand). VCF-style: chr17-65537763-G-A. GRCh37 (hg19) VCF-style: chr17-63533881-G-A.
Other names: c.1273C>T, p.Leu425= (NM_001363813.1); c.1273C>T (LRG_296t1).
Identifiers: ClinVar variation 464531 (VCV000464531.17), dbSNP rs746718165, ClinGen allele CA8718690.